The following is an entry in ClinVar:

ClinVar aggregate classification (germline): Uncertain significance (1 of 4 stars; one submission).

Conditions:
Amyotrophic lateral sclerosis type 10 (ALS10). Also called: AMYOTROPHIC LATERAL SCLEROSIS 10 WITH OR WITHOUT FRONTOTEMPORAL DEMENTIA; AMYOTROPHIC LATERAL SCLEROSIS 10 WITHOUT FRONTOTEMPORAL DEMENTIA AND WITH TDP43 INCLUSIONS; AMYOTROPHIC LATERAL SCLEROSIS 10 WITH OR WITHOUT FRONTOTEMPORAL DEMENTIA AND WITH TDP43 INCLUSIONS; TARDBP-Related Amyotrophic Lateral Sclerosis-Frontotemporal Dementia; Amyotrophic lateral sclerosis 10, with or without FTD. Identifiers: Orphanet 275872, Orphanet 803, MedGen C2677565, MONDO:0012790, OMIM 612069.

Submission:

MVZ Medizinische Genetik Mainz
Classification: Uncertain significance for Amyotrophic lateral sclerosis type 10. Last evaluated: 2026-08-31. Review status: criteria provided, single submitter. Criteria: UK Practice Guidelines For Variant Classification V4 01 2020. Collection method: clinical testing. Allele origin: germline. Inheritance: Autosomal dominant inheritance. Affected: yes. Observed: 1 variant allele.
Comment: ACMG Criteria: PM2_SUP,PP2,PP3

NM_007375.4(TARDBP):c.164G>A (p.Arg55Gln)

Gene: TARDBP (TAR DNA binding protein; plus strand). Cytogenetic location: 1p36.22.
Variant type: single nucleotide variant.
Coding change: c.164G>A on transcript NM_007375.4 (MANE Select); coding-DNA position 164, G replaced by A.
Protein change: p.Arg55Gln; replaces arginine 55 with glutamine.
Molecular consequence: missense variant.
Genome position (GRCh38, 1-based): chr1:11,013,891, G>A. VCF-style: chr1-11013891-G-A. GRCh37 (hg19) VCF-style: chr1-11073948-G-A.
Other names: short protein forms R55Q.
Identifiers: ClinVar variation 5010167 (VCV005010167.1).